The following is an entry in ClinVar:

ClinVar aggregate classification (germline): Uncertain significance (1 of 4 stars; one submission).

Conditions:
Familial cancer of breast. Also called: BREAST CANCER, FAMILIAL; hereditary breast carcinoma; Hereditary breast cancer. Identifiers: Orphanet 227535, MedGen C0346153, MONDO:0016419, OMIM 114480. Disease mechanism: loss of function.

Submission:

Labcorp Genetics (formerly Invitae), Labcorp
Classification: Uncertain significance for Familial cancer of breast. Last evaluated: 2018-10-04. Review status: criteria provided, single submitter. Criteria: Invitae Variant Classification Sherloc (09022015). Collection method: clinical testing. Allele origin: germline.
Comment: In summary, the available evidence is currently insufficient to determine the role of this variant in disease. Therefore, it has been classified as a Variant of Uncertain Significance. Algorithms developed to predict the effect of missense changes on protein structure and function are either unavailable or do not agree on the potential impact of this missense change (SIFT: "Deleterious"; PolyPhen-2: "Probably Damaging"; Align-GVGD: "Class C0"). This variant has not been reported in the literature in individuals with CHEK2-related disease. This variant is not present in population databases (ExAC no frequency). This sequence change replaces lysine with methionine at codon 249 of the CHEK2 protein (p.Lys249Met). The lysine residue is highly conserved and there is a moderate physicochemical difference between lysine and methionine.

NM_007194.4(CHEK2):c.746A>T (p.Lys249Met)

Gene: CHEK2 (checkpoint kinase 2; minus strand). Cytogenetic location: 22q12.1.
Variant type: single nucleotide variant.
Coding change: c.746A>T on transcript NM_007194.4 (MANE Select); coding-DNA position 746, A replaced by T.
Protein change: p.Lys249Met; replaces lysine 249 with methionine.
Molecular consequence: missense variant.
Genome position (GRCh38, 1-based): chr22:28,711,955, T>A on the plus strand (A>T on the coding strand, the complement: CHEK2 is on the minus strand). VCF-style: chr22-28711955-T-A. GRCh37 (hg19) VCF-style: chr22-29107943-T-A.
Other names: c.875A>T, p.Lys292Met (NM_001005735.3); c.83A>T, p.Lys28Met (NM_001257387.3); c.545A>T, p.Lys182Met (NM_001349956.3); c.746A>T, p.Lys249Met (NM_145862.3); short protein forms K28M, K249M, K292M, K182M.
Identifiers: ClinVar variation 639488 (VCV000639488.9), dbSNP rs1601783227, ClinGen allele CA411103237.